The following is an entry in ClinVar:

NM_000321.3(RB1):c.2520+1G>C

Gene: RB1 (RB transcriptional corepressor 1; plus strand). Cytogenetic location: 13q14.2.
Variant type: single nucleotide variant.
Coding change: c.2520+1G>C on transcript NM_000321.3 (MANE Select); the canonical splice donor site of the intron after coding-DNA position 2520, G replaced by C.
Molecular consequence: splice donor variant.
Genome position (GRCh38, 1-based): chr13:48,473,391, G>C. VCF-style: chr13-48473391-G-C. GRCh37 (hg19) VCF-style: chr13-49047527-G-C.
Other names: c.2520+1G>C (NM_001407165.1).
Identifiers: ClinVar variation 3237106 (VCV003237106.1), dbSNP rs587778850.

ClinVar aggregate classification (germline): Pathogenic (1 of 4 stars; one submission).

Conditions:
Retinoblastoma (RB1). Also called: RETINOBLASTOMA, SOMATIC. Identifiers: Orphanet 790, MedGen C0035335, MeSH D012175, MONDO:0008380, OMIM 180200, HP:0009919. Disease mechanism: loss of function. Inheritance: Both sporadic and heritable forms are tested..

Submission:

Genetic Diagnostic Laboratory, University of Pennsylvania School of Medicine
Classification: Pathogenic for Retinoblastoma. Last evaluated: 2024-05-20. Review status: criteria provided, single submitter. Criteria: ACMG Guidelines, 2015. Collection method: clinical testing. Allele origin: germline. Affected: yes. Observed: 1 variant allele.
Comment: Case and Pedigree Information: BILATERAL CASES:1, UNILATERAL CASES:0, TOTAL CASES:1, PEDIGREES:1. ACMG Codes Applied:PVS1, PM2